The following is an entry in ClinVar:

NM_001128178.3(NPHP1):c.771+23A>C

Gene: NPHP1 (nephrocystin 1; minus strand). Cytogenetic location: 2q13.
Variant type: single nucleotide variant.
Coding change: c.771+23A>C on transcript NM_001128178.3 (MANE Select); 23 bases into the intron after coding-DNA position 771, A replaced by C.
Molecular consequence: intron variant. On other transcripts: missense variant (2).
Genome position (GRCh38, 1-based): chr2:110,164,665, T>G on the plus strand (A>C on the coding strand, the complement: NPHP1 is on the minus strand). VCF-style: chr2-110164665-T-G. GRCh37 (hg19) VCF-style: chr2-110922242-T-G.
Other names: c.794A>C, p.Asn265Thr (NM_000272.5, NM_207181.4); c.585+23A>C (NM_001128179.3); c.771+23A>C (NM_001374256.1, NM_001374257.1); short protein forms N265T.
Identifiers: ClinVar variation 2745373 (VCV002745373.3), dbSNP rs2467369653, ClinGen allele CA348091905.

ClinVar aggregate classification (germline): Uncertain significance (1 of 4 stars; one submission).

Conditions:
Nephronophthisis. Also called: Juvenile Nephronophthisis. Identifiers: Orphanet 655, MedGen C0687120, MONDO:0019005, HP:0000090.

Submission:

Labcorp Genetics (formerly Invitae), Labcorp
Classification: Uncertain significance for Nephronophthisis. Last evaluated: 2024-03-01. Review status: criteria provided, single submitter. Criteria: Invitae Variant Classification Sherloc (09022015). Collection method: clinical testing. Allele origin: germline.
Comment: This sequence change replaces asparagine, which is neutral and polar, with threonine, which is neutral and polar, at codon 265 of the NPHP1 protein (p.Asn265Thr). This variant is not present in population databases (gnomAD no frequency). This variant has not been reported in the literature in individuals affected with NPHP1-related conditions. An algorithm developed to predict the effect of missense changes on protein structure and function (PolyPhen-2) suggests that this variant is likely to be disruptive. In summary, the available evidence is currently insufficient to determine the role of this variant in disease. Therefore, it has been classified as a Variant of Uncertain Significance.